The following is an entry in ClinVar:

NM_001201397.2(EDNRB):c.164T>G (p.Leu55Arg)

Genes: EDNRB (endothelin receptor type B; minus strand), LOC107882129 (EDNRB proximal promoter region; plus strand). Cytogenetic location: 13q22.3.
Variant type: single nucleotide variant.
Coding change: c.164T>G on transcript NM_001201397.2; coding-DNA position 164, T replaced by G.
Protein change: p.Leu55Arg; replaces leucine 55 with arginine.
Molecular consequence: missense variant. On other transcripts: intron variant (1).
Genome position (GRCh38, 1-based): chr13:77,919,452, A>C on the plus strand (T>G on the coding strand, the complement: EDNRB is on the minus strand). VCF-style: chr13-77919452-A-C. GRCh37 (hg19) VCF-style: chr13-78493587-A-C.
Other names: c.-51-828T>G (NM_000115.5); short protein forms L55R.
Identifiers: ClinVar variation 505204 (VCV000505204.6), dbSNP rs761846391, ClinGen allele CA7012450.
Genomic context (GRCh38, chr13:77,919,452, plus strand): 5'-TTTACCTCTCGGATCTGACAAACCAGATGCAGAGCGACGAATGGAGACCACCTTCCCGGG[A>C]GGCGGAACCCAGCTGGGTTCCAGCCTGCTCTGGGAGAGGAGCACGCCTCCCTTGAGCTGC-3'

ClinVar aggregate classification (germline): Uncertain significance. Review status: criteria provided, multiple submitters, no conflicts (2 of 4 stars). 2 submissions from 2 submitters: Uncertain significance (2). Last evaluated 2026-08-07.

Conditions:
EDNRB-related disorder. Also called: EDNRB-related condition; EDNRB-related disorders.

Allele frequency attached by ClinVar (database versions not stated): ExAC 0.00003; gnomAD exomes 0.00004 and 0.00002; gnomAD 0.00014 and 0.00016; TOPMed 0.00015.
gnomAD v4.1: 54 of 1,612,622 alleles (0.0033%); highest among the groups gnomAD compares: African/African-American, 0.063%; no homozygotes.

Submissions (2):

PreventionGenetics, part of Exact Sciences
Classification: Uncertain significance for EDNRB-related condition. Last evaluated: 2026-08-07. Review status: criteria provided, single submitter. Criteria: ACMG Guidelines, 2015. Collection method: clinical testing. Allele origin: germline.
Comment: The EDNRB c.164T>G variant is predicted to result in the amino acid substitution p.Leu55Arg. To our knowledge, this variant has not been reported in the literature. This variant is reported in 0.052% of alleles in individuals of African descent in gnomAD. Although we suspect that this variant may be benign, at this time, the clinical significance of this variant is uncertain due to the absence of conclusive functional and genetic evidence.

Laboratory for Molecular Medicine, Mass General Brigham Personalized Medicine
Classification: Uncertain significance. Last evaluated: 2016-07-05. Review status: criteria provided, single submitter. Criteria: LMM Criteria. Collection method: clinical testing. Allele origin: germline. Observed: 1 variant allele.
Comment: Variant classified as Uncertain Significance - Favor Benign. The p.Leu55Arg vari ant in EDNRB has not been previously reported in individuals with hearing loss. This variant has been identified in 2/8470 African chromosomes by the Exome Aggr egation Consortium (ExAC; dbSNP rs761846391). Al though this variant has been seen in the general population, its frequency is no t high enough to rule out a pathogenic role. The Leucine (Leu) at position 55 is not conserved in mammals or evolutionary distant species, raising the possibili ty that a change at this position may be tolerated. Additional computational pre diction tools suggest that this variant may not impact the protein, though this information is not predictive enough to rule out pathogenicity. In summary, whil e the clinical significance of the p.Leu55Arg variant is uncertain, these data s uggest that it is more likely to be benign.